The following is an entry in ClinVar:

NM_001330360.2(POLA1):c.1627C>T (p.Leu543Phe)

Gene: POLA1 (DNA polymerase alpha 1, catalytic subunit; plus strand). Cytogenetic location: Xp22.11.
Variant type: single nucleotide variant.
Coding change: c.1627C>T on transcript NM_001330360.2 (MANE Select); coding-DNA position 1627, C replaced by T.
Protein change: p.Leu543Phe; replaces leucine 543 with phenylalanine.
Molecular consequence: missense variant. On other transcripts: non-coding transcript variant (2).
Genome position (GRCh38, 1-based): chrX:24,727,877, C>T. VCF-style: chrX-24727877-C-T. GRCh37 (hg19) VCF-style: chrX-24745994-C-T.
Other names: c.1552C>T, p.Leu518Phe (NM_001378303.1); c.1609C>T, p.Leu537Phe (NM_016937.4); short protein forms L518F, L537F, L543F.
Identifiers: ClinVar variation 2429575 (VCV002429575.1), dbSNP rs1930638172, ClinGen allele CA412534315.

ClinVar aggregate classification (germline): Uncertain significance (1 of 4 stars; one submission).

Submission:

GeneDx
Classification: Uncertain significance. Last evaluated: 2022-08-13. Review status: criteria provided, single submitter. Criteria: GeneDx Variant Classification Process June 2021. Collection method: clinical testing. Allele origin: germline. Affected: yes.
Comment: Not observed at significant frequency in large population cohorts (gnomAD); In silico analysis supports that this missense variant has a deleterious effect on protein structure/function; Has not been previously published as pathogenic or benign to our knowledge